The following is an entry in ClinVar:

ClinVar aggregate classification (germline): Uncertain significance (1 of 4 stars; one submission).

Conditions:
Hereditary cancer-predisposing syndrome. Also called: Neoplastic Syndromes, Hereditary; Tumor predisposition; Hereditary neoplastic syndrome; Hereditary Cancer Syndrome. Identifiers: Orphanet 140162, MedGen C0027672, MeSH D009386, MONDO:0015356.

Submission:

Ambry Genetics
Classification: Uncertain significance for Hereditary cancer-predisposing syndrome. Last evaluated: 2026-07-07. Review status: criteria provided, single submitter. Criteria: Ambry Variant Classification Scheme 2023. Collection method: clinical testing. Allele origin: germline.
Comment: The p.V50L variant (also known as c.148G>T), located in coding exon 2 of the NF2 gene, results from a G to T substitution at nucleotide position 148. The valine at codon 50 is replaced by leucine, an amino acid with highly similar properties. This amino acid position is conserved. In addition, this alteration is predicted to be deleterious by in silico analysis. Based on the available evidence, the clinical significance of this variant remains unclear.

NM_000268.4(NF2):c.148G>T (p.Val50Leu)

Gene: NF2 (NF2, moesin-ezrin-radixin like (MERLIN) tumor suppressor; plus strand). Cytogenetic location: 22q12.2.
Variant type: single nucleotide variant.
Coding change: c.148G>T on transcript NM_000268.4 (MANE Select); coding-DNA position 148, G replaced by T.
Protein change: p.Val50Leu; replaces valine 50 with leucine.
Molecular consequence: missense variant. On other transcripts: 5 prime UTR variant (2), intron variant (6).
Genome position (GRCh38, 1-based): chr22:29,636,784, G>T. VCF-style: chr22-29636784-G-T. GRCh37 (hg19) VCF-style: chr22-30032773-G-T.
Other names: c.34G>T, p.Val12Leu (NM_001407053.1, NM_001407056.1); c.148G>T, p.Val50Leu (NM_001407054.1, NM_001407057.1, NM_001407058.1 and 9 more transcripts); c.-493G>T (NM_001407065.1); c.-109G>T (NM_001407067.1); c.115-2306G>T (NM_181828.3, NM_001407055.1); c.115-5418G>T (NM_001407063.1, NM_181830.3, NM_001407064.1 and 1 more transcripts); short protein forms V50L, V12L.
Identifiers: ClinVar variation 5025701 (VCV005025701.1).